The following is an entry in ClinVar:

NM_139284.3(LGI4):c.36T>G (p.Ala12=)

Gene: LGI4 (leucine rich repeat LGI family member 4; minus strand). Cytogenetic location: 19q13.12.
Variant type: single nucleotide variant.
Coding change: c.36T>G on transcript NM_139284.3 (MANE Select); coding-DNA position 36, T replaced by G.
Protein change: p.Ala12=; no amino-acid change (alanine 12 retained).
Molecular consequence: synonymous variant.
Genome position (GRCh38, 1-based): chr19:35,134,645, A>C on the plus strand (T>G on the coding strand, the complement: LGI4 is on the minus strand). VCF-style: chr19-35134645-A-C. GRCh37 (hg19) VCF-style: chr19-35625549-A-C.
Identifiers: ClinVar variation 3048785 (VCV003048785.2), dbSNP rs759627930, ClinGen allele CA9373483.

ClinVar aggregate classification (germline): Likely benign (0 of 4 stars; one submission).

Conditions:
LGI4-related disorder. Also called: LGI4-related condition.

Submission:

PreventionGenetics, part of Exact Sciences
Classification: Likely benign for LGI4-related condition. Last evaluated: 2019-12-18. Review status: no assertion criteria provided. Collection method: clinical testing. Allele origin: germline.
Comment: This variant is classified as likely benign based on ACMG/AMP sequence variant interpretation guidelines (Richards et al. 2015 PMID: 25741868, with internal and published modifications).